The following is an entry in ClinVar:

ClinVar aggregate classification (germline): Uncertain significance. Review status: criteria provided, multiple submitters, no conflicts (2 of 4 stars). 4 submissions from 4 submitters: Uncertain significance (4). Last evaluated 2024-12-18.

Conditions:
Focal segmental glomerulosclerosis 6 (FSGS6). Identifiers: Orphanet 656, MedGen C3279905, MONDO:0013589, OMIM 614131.
Inborn genetic diseases. Identifiers: MedGen C0950123, MeSH D030342.

Allele frequency attached by ClinVar (database versions not stated): ExAC 0.00004; gnomAD exomes 0.00005; gnomAD 0.00033 and 0.00034; 1000 Genomes Project 0.00080; TOPMed 0.00082; 1000 Genomes Project 30x 0.00094.
gnomAD v4.1: 87 of 1,600,198 alleles (0.0054%); highest among the groups gnomAD compares: Admixed American, 0.12%; no homozygotes.

Submissions (4):

GeneDx
Classification: Uncertain significance. Last evaluated: 2024-12-18. Review status: criteria provided, single submitter. Criteria: GeneDx Variant Classification Process June 2021. Collection method: clinical testing. Allele origin: germline. Affected: yes.
Comment: In silico analysis supports that this missense variant has a deleterious effect on protein structure/function; Has not been previously published as pathogenic or benign to our knowledge

Labcorp Genetics (formerly Invitae), Labcorp
Classification: Uncertain significance. Last evaluated: 2024-12-12. Review status: criteria provided, single submitter. Criteria: Invitae Variant Classification Sherloc (09022015). Collection method: clinical testing. Allele origin: germline.
Comment: This sequence change replaces glutamic acid, which is acidic and polar, with alanine, which is neutral and non-polar, at codon 431 of the MYO1E protein (p.Glu431Ala). This variant is present in population databases (rs190122242, gnomAD 0.03%). This variant has not been reported in the literature in individuals affected with MYO1E-related conditions. ClinVar contains an entry for this variant (Variation ID: 834242). Invitae Evidence Modeling of protein sequence and biophysical properties (such as structural, functional, and spatial information, amino acid conservation, physicochemical variation, residue mobility, and thermodynamic stability) indicates that this missense variant is expected to disrupt MYO1E protein function with a positive predictive value of 80%. In summary, the available evidence is currently insufficient to determine the role of this variant in disease. Therefore, it has been classified as a Variant of Uncertain Significance.

Fulgent Genetics
Classification: Uncertain significance for Focal segmental glomerulosclerosis 6. Last evaluated: 2024-04-01. Review status: criteria provided, single submitter. Criteria: ACMG Guidelines, 2015. Collection method: clinical testing. Allele origin: germline.

Ambry Genetics
Classification: Uncertain significance for Inborn genetic diseases. Last evaluated: 2022-08-16. Review status: criteria provided, single submitter. Criteria: Ambry Variant Classification Scheme 2023. Collection method: clinical testing. Allele origin: germline.

NM_004998.4(MYO1E):c.1292A>C (p.Glu431Ala)

Gene: MYO1E (myosin IE; minus strand). Cytogenetic location: 15q22.2.
Variant type: single nucleotide variant.
Coding change: c.1292A>C on transcript NM_004998.4 (MANE Select); coding-DNA position 1292, A replaced by C.
Protein change: p.Glu431Ala; replaces glutamic acid 431 with alanine.
Molecular consequence: missense variant.
Genome position (GRCh38, 1-based): chr15:59,210,584, T>G on the plus strand (A>C on the coding strand, the complement: MYO1E is on the minus strand). VCF-style: chr15-59210584-T-G. GRCh37 (hg19) VCF-style: chr15-59502783-T-G.
Other names: c.1292A>C (NM_004998.2); short protein forms E431A.
Identifiers: ClinVar variation 834242 (VCV000834242.10), dbSNP rs190122242, ClinGen allele CA7589982.